The following is an entry in ClinVar:

NM_139343.3(BIN1):c.329T>A (p.Leu110Gln)

Gene: BIN1 (bridging integrator 1; minus strand). Cytogenetic location: 2q14.3.
Variant type: single nucleotide variant.
Coding change: c.329T>A on transcript NM_139343.3 (MANE Select); coding-DNA position 329, T replaced by A.
Protein change: p.Leu110Gln; replaces leucine 110 with glutamine.
Molecular consequence: missense variant.
Genome position (GRCh38, 1-based): chr2:127,070,077, A>T on the plus strand (T>A on the coding strand, the complement: BIN1 is on the minus strand). VCF-style: chr2-127070077-A-T. GRCh37 (hg19) VCF-style: chr2-127827653-A-T.
Other names: c.329T>A, p.Leu110Gln (NM_001320632.2, NM_001320633.2, NM_001320640.2 and 10 more transcripts); c.257T>A, p.Leu86Gln (NM_001320634.1); c.248T>A, p.Leu83Gln (NM_001320642.1); short protein forms L83Q, L110Q, L86Q.
Identifiers: ClinVar variation 1512708 (VCV001512708.6), dbSNP rs2105070437, ClinGen allele CA348369160.

ClinVar aggregate classification (germline): Uncertain significance (1 of 4 stars; one submission).

Conditions:
Myopathy, centronuclear, 2 (CNM2). Also called: MYOTUBULAR MYOPATHY, AUTOSOMAL RECESSIVE. Identifiers: Orphanet 169186, MedGen CN031787, MONDO:0009709, OMIM 255200.

Submission:

Labcorp Genetics (formerly Invitae), Labcorp
Classification: Uncertain significance for Myopathy, centronuclear, 2. Last evaluated: 2022-07-26. Review status: criteria provided, single submitter. Criteria: Invitae Variant Classification Sherloc (09022015). Collection method: clinical testing. Allele origin: germline.
Comment: In summary, the available evidence is currently insufficient to determine the role of this variant in disease. Therefore, it has been classified as a Variant of Uncertain Significance. Algorithms developed to predict the effect of missense changes on protein structure and function are either unavailable or do not agree on the potential impact of this missense change (SIFT: "Tolerated"; PolyPhen-2: "Probably Damaging"; Align-GVGD: "Class C0"). ClinVar contains an entry for this variant (Variation ID: 1512708). This variant has not been reported in the literature in individuals affected with BIN1-related conditions. This variant is not present in population databases (gnomAD no frequency). This sequence change replaces leucine, which is neutral and non-polar, with glutamine, which is neutral and polar, at codon 110 of the BIN1 protein (p.Leu110Gln).